The following is an entry in ClinVar:

NM_001044.5(SLC6A3):c.431C>T (p.Thr144Met)

Gene: SLC6A3 (solute carrier family 6 member 3). Cytogenetic location: 5p15.33.
Variant type: single nucleotide variant.
Coding change: c.431C>T on transcript NM_001044.5 (MANE Select); coding-DNA position 431, C replaced by T.
Protein change: p.Thr144Met; replaces threonine 144 with methionine.
Molecular consequence: missense variant.
Genome position (GRCh38, 1-based): chr5:1,432,686, G>A on the plus strand (C>T on the coding strand, the complement: SLC6A3 is on the minus strand). VCF-style: chr5-1432686-G-A. GRCh37 (hg19) VCF-style: chr5-1432801-G-A.
Other names: c.431C>T (NM_001044.4); short protein forms T144M.
Identifiers: ClinVar variation 1444993 (VCV001444993.9), dbSNP rs746715018, ClinGen allele CA3186367.
Genomic context (GRCh38, chr5:1,432,686, plus strand): 5'-AGCGCCCAGGCGATGATGACGTTGTAGAAGAAGCCGACATACAGTGAGATGAGGATGACC[G>A]TGAAGCCCACACCTAGCGGGAAGGGGGAGGCCATGGAGCCCACGCAGGTGGAGCACAGAG-3'
Protein context (NP_001035.1, residues 134-154): ICPILKGVGF[Thr144Met]VILISLYVGF

ClinVar aggregate classification (germline): Uncertain significance. Review status: criteria provided, multiple submitters, no conflicts (2 of 4 stars). 4 submissions from 4 submitters: Uncertain significance (4). Last evaluated 2025-10-02.

Conditions:
Parkinsonism-dystonia, infantile. Identifiers: Orphanet 238455, MedGen C2751067, MONDO:0013150.
Inborn genetic diseases. Identifiers: MedGen C0950123, MeSH D030342.
Classic dopamine transporter deficiency syndrome (PKDYS1). Also called: DOPAMINE TRANSPORTER DEFICIENCY SYNDROME; Parkinsonism-dystonia, infantile, 1. Identifiers: Orphanet 238455, MedGen C5700336, MONDO:0054835, OMIM 613135.

Allele frequency attached by ClinVar (database versions not stated): gnomAD exomes below 0.00001; ExAC 0.00001; gnomAD 0.00001; TOPMed 0.00002.

Submissions (4):

Ambry Genetics
Classification: Uncertain significance for Inborn genetic diseases. Last evaluated: 2025-10-02. Review status: criteria provided, single submitter. Criteria: Ambry Variant Classification Scheme 2023. Collection method: clinical testing. Allele origin: germline.

GeneDx
Classification: Uncertain significance. Last evaluated: 2024-11-10. Review status: criteria provided, single submitter. Criteria: GeneDx Variant Classification Process June 2021. Collection method: clinical testing. Allele origin: germline. Affected: yes.
Comment: Not observed at significant frequency in large population cohorts (gnomAD); In silico analysis indicates that this missense variant does not alter protein structure/function; Has not been previously published as pathogenic or benign to our knowledge

Revvity Omics, Revvity
Classification: Uncertain significance for Classic dopamine transporter deficiency syndrome. Last evaluated: 2023-06-12. Review status: criteria provided, single submitter. Criteria: ACMG Guidelines, 2015. Collection method: clinical testing. Allele origin: germline.

Labcorp Genetics (formerly Invitae), Labcorp
Classification: Uncertain significance for Parkinsonism-dystonia, infantile. Last evaluated: 2022-07-12. Review status: criteria provided, single submitter. Criteria: Invitae Variant Classification Sherloc (09022015). Collection method: clinical testing. Allele origin: germline.
Comment: In summary, the available evidence is currently insufficient to determine the role of this variant in disease. Therefore, it has been classified as a Variant of Uncertain Significance. Algorithms developed to predict the effect of missense changes on protein structure and function are either unavailable or do not agree on the potential impact of this missense change (SIFT: "Deleterious"; PolyPhen-2: "Possibly Damaging"; Align-GVGD: "Class C0"). ClinVar contains an entry for this variant (Variation ID: 1444993). This variant has not been reported in the literature in individuals affected with SLC6A3-related conditions. The frequency data for this variant in the population databases is considered unreliable, as metrics indicate poor data quality at this position in the gnomAD database. This sequence change replaces threonine, which is neutral and polar, with methionine, which is neutral and non-polar, at codon 144 of the SLC6A3 protein (p.Thr144Met).